The following is an entry in ClinVar:

ClinVar aggregate classification (germline): Uncertain significance (1 of 4 stars; one submission).

Conditions:
Cardiovascular phenotype. Identifiers: MedGen CN230736.

Submission:

Ambry Genetics
Classification: Uncertain significance for Cardiovascular phenotype. Last evaluated: 2025-09-25. Review status: criteria provided, single submitter. Criteria: Ambry Variant Classification Scheme 2023. Collection method: clinical testing. Allele origin: germline.
Comment: The p.N182H variant (also known as c.544A>C), located in coding exon 5 of the SPRED1 gene, results from an A to C substitution at nucleotide position 544. The asparagine at codon 182 is replaced by histidine, an amino acid with similar properties. This amino acid position is conserved. In addition, this alteration is predicted to be tolerated by in silico analysis. Based on the available evidence, the clinical significance of this variant remains unclear.

NM_152594.3(SPRED1):c.544A>C (p.Asn182His)

Gene: SPRED1 (sprouty related EVH1 domain containing 1; plus strand). Cytogenetic location: 15q14.
Variant type: single nucleotide variant.
Coding change: c.544A>C on transcript NM_152594.3 (MANE Select); coding-DNA position 544, A replaced by C.
Protein change: p.Asn182His; replaces asparagine 182 with histidine.
Molecular consequence: missense variant.
Genome position (GRCh38, 1-based): chr15:38,339,857, A>C. VCF-style: chr15-38339857-A-C. GRCh37 (hg19) VCF-style: chr15-38632058-A-C.
Other names: short protein forms N182H.
Identifiers: ClinVar variation 4615009 (VCV004615009.1).